The following is an entry in ClinVar:

NM_004977.3(KCNC3):c.56A>G (p.Gln19Arg)

Genes: KCNC3 (potassium voltage-gated channel subfamily C member 3; minus strand), LOC111811967 (Sharpr-MPRA regulatory region 11330/13384; plus strand). Cytogenetic location: 19q13.33.
Variant type: single nucleotide variant.
Coding change: c.56A>G on transcript NM_004977.3 (MANE Select); coding-DNA position 56, A replaced by G.
Protein change: p.Gln19Arg; replaces glutamine 19 with arginine.
Molecular consequence: missense variant. On other transcripts: 5 prime UTR variant (1).
Genome position (GRCh38, 1-based): chr19:50,329,027, T>C on the plus strand (A>G on the coding strand, the complement: KCNC3 is on the minus strand). VCF-style: chr19-50329027-T-C. GRCh37 (hg19) VCF-style: chr19-50832284-T-C.
Other names: c.-173A>G (NM_001372305.1); short protein forms Q19R.
Identifiers: ClinVar variation 2960937 (VCV002960937.3), dbSNP rs1007893588, ClinGen allele CA309576176.

ClinVar aggregate classification (germline): Uncertain significance (1 of 4 stars; one submission).

Allele frequency attached by ClinVar (database versions not stated): gnomAD exomes below 0.00001; gnomAD 0.00001.

Submission:

Labcorp Genetics (formerly Invitae), Labcorp
Classification: Uncertain significance. Last evaluated: 2023-05-23. Review status: criteria provided, single submitter. Criteria: Invitae Variant Classification Sherloc (09022015). Collection method: clinical testing. Allele origin: germline.
Comment: This sequence change replaces glutamine, which is neutral and polar, with arginine, which is basic and polar, at codon 19 of the KCNC3 protein (p.Gln19Arg). This variant is not present in population databases (gnomAD no frequency). This variant has not been reported in the literature in individuals affected with KCNC3-related conditions. Advanced modeling of protein sequence and biophysical properties (such as structural, functional, and spatial information, amino acid conservation, physicochemical variation, residue mobility, and thermodynamic stability) performed at Invitae indicates that this missense variant is not expected to disrupt KCNC3 protein function. In summary, the available evidence is currently insufficient to determine the role of this variant in disease. Therefore, it has been classified as a Variant of Uncertain Significance.